The following is an entry in ClinVar:

NM_133372.3(FNIP1):c.2889dup (p.Gly964fs)

Gene: FNIP1 (folliculin interacting protein 1; minus strand). Cytogenetic location: 5q31.1.
Variant type: Duplication.
Coding change: c.2889dup on transcript NM_133372.3 (MANE Select); coding-DNA position 2889, one base duplicated (T; older notation c.2889dupT).
Protein change: p.Gly964fs; shifts the reading frame from glycine 964.
Molecular consequence: frameshift variant.
Genome position (GRCh38, 1-based): chr5:131,671,555, A duplicated on the plus strand (T on the coding strand, the reverse complement: FNIP1 is on the minus strand). VCF-style (leftmost placement, unchanged base first): chr5-131671554-C-CA. GRCh37 (hg19) VCF-style: chr5-131007247-C-CA.
Other names: c.2805dup, p.Gly936fs (NM_001008738.3); c.2754dup, p.Gly919fs (NM_001346114.2); short protein forms G964fs, G919fs, G936fs.
Identifiers: ClinVar variation 3653139 (VCV003653139.2).
Genomic context (GRCh38, chr5:131,671,554, plus strand): 5'-TTCCTACTTACCCAGGAAAAGGTATCTCATCCTCTTCTGCCCAATCTTCTTGCTCTCCTC[C>CA]ATAATAACTGCTAACTTGTCTAGTCATATCATGACCTGTATCTTCACTTTCACTATCCCC-3'

ClinVar aggregate classification (germline): Pathogenic (1 of 4 stars; one submission).

Submission:

Labcorp Genetics (formerly Invitae), Labcorp
Classification: Pathogenic. Last evaluated: 2024-06-04. Review status: criteria provided, single submitter. Criteria: Invitae Variant Classification Sherloc (09022015). Collection method: clinical testing. Allele origin: germline.
Comment: This sequence change creates a premature translational stop signal (p.Gly964Trpfs*12) in the FNIP1 gene. It is expected to result in an absent or disrupted protein product. Loss-of-function variants in FNIP1 are known to be pathogenic (PMID: 32181500, 32905580). This variant is not present in population databases (gnomAD no frequency). This variant has not been reported in the literature in individuals affected with FNIP1-related conditions. Algorithms developed to predict the effect of sequence changes on RNA splicing suggest that this variant may disrupt the consensus splice site. For these reasons, this variant has been classified as Pathogenic.

Literature cited by the submitters: PubMed 32181500; PubMed 32905580.